The following is an entry in ClinVar:

ClinVar aggregate classification (germline): Benign/Likely benign. Review status: criteria provided, multiple submitters, no conflicts (2 of 4 stars). 3 submissions from 3 submitters: Benign (1); Likely benign (2). Last evaluated 2026-01-28.

Conditions:
Hyperprolinemia type 2 (HYRPRO2). Also called: 1-PYRROLINE-5-CARBOXYLATE DEHYDROGENASE DEFICIENCY; Deficiency of pyrroline-5-carboxylate reductase; Delta-1-pyrroline-5-carboxylate dehydrogenase deficiency. Identifiers: Orphanet 79101, MedGen C2931835, MONDO:0009401, OMIM 239510.

Allele frequency attached by ClinVar (database versions not stated): ExAC 0.00610; ESP Exome Variant Server 0.00831; TOPMed 0.00924; gnomAD 0.00928 and 0.00952; 1000 Genomes Project 0.01358; 1000 Genomes Project 30x 0.01359.
gnomAD v4.1: 2,432 of 1,322,130 alleles (0.18%); highest among the groups gnomAD compares: African/African-American, 3.4%; 44 homozygotes.

Submissions (3):

Labcorp Genetics (formerly Invitae), Labcorp
Classification: Benign for Hyperprolinemia type 2. Last evaluated: 2026-01-28. Review status: criteria provided, single submitter. Criteria: Invitae Variant Classification Sherloc (09022015). Collection method: clinical testing. Allele origin: germline.

Illumina Laboratory Services, Illumina
Classification: Likely benign for Hyperprolinemia type 2. Last evaluated: 2018-01-12. Review status: criteria provided, single submitter. Criteria: ICSL Variant Classification Criteria 13 December 2019. Collection method: clinical testing. Allele origin: germline.
Comment: This variant was observed in the ICSL laboratory as part of a predisposition screen in an ostensibly healthy population. It had not been previously curated by ICSL or reported in the Human Gene Mutation Database (HGMD: prior to June 1st, 2018), and was therefore a candidate for classification through an automated scoring system. Utilizing variant allele frequency, disease prevalence and penetrance estimates, and inheritance mode, an automated score was calculated to assess if this variant is too frequent to cause the disease. Based on the score and internal cut-off values, a variant classified as likely benign is not then subjected to further curation. The score for this variant resulted in a classification of likely benign for this disease.

Breakthrough Genomics
Classification: Likely benign. Review status: criteria provided, single submitter. Criteria: ACMG Guidelines, 2015. Collection method: not provided. Allele origin: germline. Inheritance: Autosomal recessive inheritance. Affected: yes.

NM_003748.4(ALDH4A1):c.433G>A (p.Ala145Thr)

Gene: ALDH4A1 (aldehyde dehydrogenase 4 family member A1; minus strand). Cytogenetic location: 1p36.13.
Variant type: single nucleotide variant.
Coding change: c.433G>A on transcript NM_003748.4 (MANE Select); coding-DNA position 433, G replaced by A.
Protein change: p.Ala145Thr; replaces alanine 145 with threonine.
Molecular consequence: missense variant.
Genome position (GRCh38, 1-based): chr1:18,885,493, C>T on the plus strand (G>A on the coding strand, the complement: ALDH4A1 is on the minus strand). VCF-style: chr1-18885493-C-T. GRCh37 (hg19) VCF-style: chr1-19211987-C-T.
Other names: c.253G>A, p.Ala85Thr (NM_001161504.2); c.433G>A, p.Ala145Thr (NM_001319218.2, NM_170726.3); short protein forms A145T, A85T.
Identifiers: ClinVar variation 294389 (VCV000294389.18), dbSNP rs113846237, ClinGen allele CA647368.